The following is an entry in ClinVar:

NM_173651.4(FSIP2):c.9297_9309del (p.Asn3099fs)

Genes: FSIP2 (fibrous sheath interacting protein 2; plus strand), FSIP2-AS1 (FSIP2 antisense RNA 1; minus strand). Cytogenetic location: 2q32.1.
Variant type: Deletion.
Coding change: c.9297_9309del on transcript NM_173651.4 (MANE Select); coding-DNA positions 9297 to 9309, 13 bases deleted (CGAAATAAGCCAA).
Protein change: p.Asn3099fs; shifts the reading frame from asparagine 3099.
Molecular consequence: frameshift variant.
Genome position (GRCh38, 1-based): chr2:185,796,433-185,796,445, CGAAATAAGCCAA deleted; deleting any 13 consecutive bases within chr2:185,796,430-185,796,445 gives the same sequence; the c. name uses the placement nearest the transcript's 3' end. VCF-style (leftmost placement, unchanged base first): chr2-185796429-ACAACGAAATAAGC-A. GRCh37 (hg19) VCF-style: chr2-186661156-ACAACGAAATAAGC-A.
Other names: short protein forms N3099fs.
Identifiers: ClinVar variation 5006171 (VCV005006171.2).

ClinVar aggregate classification (germline): Likely pathogenic (1 of 4 stars; one submission).

Conditions:
Spermatogenic failure 34. Identifiers: MedGen C4748403, MONDO:0029148, OMIM 618153.

Submission:

Juno Genomics, Hangzhou Juno Genomics, Inc
Classification: Likely pathogenic for Spermatogenic failure 34. Review status: criteria provided, single submitter. Criteria: ACMG Guidelines, 2015. Collection method: clinical testing. Allele origin: germline.
Comment: Null variant in a gene where loss of function (LOF) is a known mechanism of disease.;Absent from controls (or at extremely low frequency if recessive) in Genome Aggregation Database.